The following is an entry in ClinVar:

ClinVar aggregate classification (germline): Likely benign (1 of 4 stars; one submission).

Allele frequency attached by ClinVar (database versions not stated): gnomAD exomes 0.00001.
gnomAD v4.1: 10 of 1,211,824 alleles (0.00083%); highest among the groups gnomAD compares: Non-Finnish European, 0.0011%; no homozygotes.

Submission:

GeneDx
Classification: Likely benign. Last evaluated: 2018-04-06. Review status: criteria provided, single submitter. Criteria: GeneDx Variant Classification (06012015). Collection method: clinical testing. Allele origin: germline. Affected: yes.
Comment: This variant is considered likely benign or benign based on one or more of the following criteria: it is a conservative change, it occurs at a poorly conserved position in the protein, it is predicted to be benign by multiple in silico algorithms, and/or has population frequency not consistent with disease.

NM_001184880.2(PCDH19):c.1612G>A (p.Gly538Ser)

Gene: PCDH19 (protocadherin 19; minus strand). Cytogenetic location: Xq22.1.
Variant type: single nucleotide variant.
Coding change: c.1612G>A on transcript NM_001184880.2 (MANE Select); coding-DNA position 1612, G replaced by A.
Protein change: p.Gly538Ser; replaces glycine 538 with serine.
Molecular consequence: missense variant.
Genome position (GRCh38, 1-based): chrX:100,406,986, C>T on the plus strand (G>A on the coding strand, the complement: PCDH19 is on the minus strand). VCF-style: chrX-100406986-C-T. GRCh37 (hg19) VCF-style: chrX-99661984-C-T.
Other names: c.1612G>A, p.Gly538Ser (NM_001105243.2, NM_020766.3); short protein forms G538S.
Identifiers: ClinVar variation 678916 (VCV000678916.1), dbSNP rs1224921343, ClinGen allele CA414002339.
Genomic context (GRCh38, chrX:100,406,986, plus strand): 5'-CGTTGACGTCGAGGATGATGACCCGCACCGTAGCGTTGCTTTGCAGTGAGGGAAGGCCGC[C>T]GTCCTTGGCCAGCACCTTGAATTCGAACGCCTTGGTCTGCTCGTGGTTAAAGGATCGCAG-3'
Protein context (NP_001171809.1, residues 528-548): AFEFKVLAKD[Gly538Ser]GLPSLQSNAT